The following is an entry in ClinVar:

ClinVar aggregate classification (germline): Conflicting classifications of pathogenicity. Review status: criteria provided, conflicting classifications (1 of 4 stars). 2 submissions from 2 submitters: Uncertain significance (1); Likely benign (1). Last evaluated 2025-11-24.

Conditions:
Familial hypobetalipoproteinemia 1. Also called: Hypobetalipoproteinemia, normotriglyceridemic; Acanthocytosis with hypobetalipoproteinemia; APOB-Related Familial Hypobetalipoproteinemia. Identifiers: MedGen C4551990, MONDO:0014252, OMIM 615558.
Hypercholesterolemia, autosomal dominant, type B (FHCL2). Also called: APOB-Related Familial Hypercholesterolemia, Autosomal Dominant; Familial Hypercholesterolemia Type B; APOLIPOPROTEIN B-100, FAMILIAL DEFECTIVE; APOLIPOPROTEIN B-100, FAMILIAL LIGAND-DEFECTIVE; HYPERCHOLESTEROLEMIA, FAMILIAL, DUE TO LIGAND-DEFECTIVE APOLIPOPROTEIN B; Familial hypercholesterolemia 2. Identifiers: MedGen C1704417, MONDO:0007751, OMIM 144010.
Cardiovascular phenotype. Identifiers: MedGen CN230736.

gnomAD v4.1: 5 of 1,614,064 alleles (0.00031%); highest among the groups gnomAD compares: Non-Finnish European, 0.00034%; no homozygotes.

Submissions (2):

Labcorp Genetics (formerly Invitae), Labcorp
Classification: Uncertain significance for Familial hypobetalipoproteinemia 1; Hypercholesterolemia, autosomal dominant, type B. Last evaluated: 2025-11-24. Review status: criteria provided, single submitter. Criteria: Invitae Variant Classification Sherloc (09022015). Collection method: clinical testing. Allele origin: germline.
Comment: This sequence change replaces arginine, which is basic and polar, with leucine, which is neutral and non-polar, at codon 214 of the APOB protein (p.Arg214Leu). This variant is not present in population databases (gnomAD no frequency). This missense change has been observed in individual(s) with coronary artery disease (PMID: 26415676). ClinVar contains an entry for this variant (Variation ID: 3884528). Invitae Evidence Modeling of protein sequence and biophysical properties (such as structural, functional, and spatial information, amino acid conservation, physicochemical variation, residue mobility, and thermodynamic stability) indicates that this missense variant is not expected to disrupt APOB protein function with a negative predictive value of 95%. In summary, the available evidence is currently insufficient to determine the role of this variant in disease. Therefore, it has been classified as a Variant of Uncertain Significance.

Ambry Genetics
Classification: Likely benign for Cardiovascular phenotype. Last evaluated: 2025-01-10. Review status: criteria provided, single submitter. Criteria: Ambry Variant Classification Scheme 2023. Collection method: clinical testing. Allele origin: germline.

Literature cited by the submitters: PubMed 26415676 (cited by Labcorp Genetics (formerly Invitae), Labcorp and Ambry Genetics).

NM_000384.3(APOB):c.641G>T (p.Arg214Leu)

Gene: APOB (apolipoprotein B; minus strand). Cytogenetic location: 2p24.1.
Variant type: single nucleotide variant.
Coding change: c.641G>T on transcript NM_000384.3 (MANE Select); coding-DNA position 641, G replaced by T.
Protein change: p.Arg214Leu; replaces arginine 214 with leucine.
Molecular consequence: missense variant.
Genome position (GRCh38, 1-based): chr2:21,037,152, C>A on the plus strand (G>T on the coding strand, the complement: APOB is on the minus strand). VCF-style: chr2-21037152-C-A. GRCh37 (hg19) VCF-style: chr2-21260024-C-A.
Other names: c.641G>T (NM_000384.2); short protein forms R214L.
Identifiers: ClinVar variation 3884528 (VCV003884528.2), dbSNP rs146152405.
Genomic context (GRCh38, chr2:21,037,152, plus strand): 5'-GGACTTACCATGCCTTTGATGAGAGCAAGTGGGCTGATGCCTGTGCGGATGGGCTTGAAG[C>A]GATCACACTGCCCCAGGTCTCTTTCAGTGGATATTTCTGTTGCCACATTGCCCTTCCTCG-3'
Protein context (NP_000375.3, residues 204-224): STERDLGQCD[Arg214Leu]FKPIRTGISP